The following is an entry in ClinVar:

ClinVar aggregate classification (germline): Uncertain significance (1 of 4 stars; one submission).

Submission:

Labcorp Genetics (formerly Invitae), Labcorp
Classification: Uncertain significance. Last evaluated: 2023-08-29. Review status: criteria provided, single submitter. Criteria: Invitae Variant Classification Sherloc (09022015). Collection method: clinical testing. Allele origin: germline.
Comment: In summary, the available evidence is currently insufficient to determine the role of this variant in disease. Therefore, it has been classified as a Variant of Uncertain Significance. Experimental studies and prediction algorithms are not available or were not evaluated, and the functional significance of this variant is currently unknown. This variant has not been reported in the literature in individuals affected with DLX6-related conditions. The frequency data for this variant in the population databases is considered unreliable, as metrics indicate poor data quality at this position in the gnomAD database. This variant, c.264_275del, results in the deletion of 4 amino acid(s) of the DLX6 protein (p.His88_His91del), but otherwise preserves the integrity of the reading frame.

NM_005222.4(DLX6):c.258CCA[2] (p.His88_His91del)

Genes: DLX6 (distal-less homeobox 6; plus strand), DLX6-AS1 (DLX6 antisense RNA 1; minus strand). Cytogenetic location: 7q21.3.
Variant type: Microsatellite.
Coding change: c.258CCA[2] on transcript NM_005222.4 (MANE Select); two copies in a row of the 3-base unit CCA starting at c.258; the reference has six copies in a row; four copies, 12 bases deleted.
Protein change: p.His88_His91del.
Molecular consequence: inframe deletion.
Genome position (GRCh38, 1-based): chr7:97,006,241-97,006,252, CCACCACCACCA deleted; deleting any 12 consecutive bases within chr7:97,006,233-97,006,252 gives the same sequence; the position shown is the placement nearest the transcript's 3' end. VCF-style (leftmost placement, unchanged base first): chr7-97006232-GCACCACCACCAC-G. GRCh37 (hg19) VCF-style: chr7-96635544-GCACCACCACCAC-G.
Identifiers: ClinVar variation 1918024 (VCV001918024.5), dbSNP rs746036175, ClinGen allele CA163003816.